The following is an entry in ClinVar:

ClinVar aggregate classification (germline): Pathogenic (1 of 4 stars; one submission).

Conditions:
Congenital contractural arachnodactyly (CCA). Also called: Beals-Hecht syndrome; BEALS SYNDROME; Arthrogryposis, distal, type 9. Identifiers: Orphanet 115, MedGen C0220668, MONDO:0007363, OMIM 121050.

Submission:

Labcorp Genetics (formerly Invitae), Labcorp
Classification: Pathogenic for Congenital contractural arachnodactyly. Last evaluated: 2023-08-10. Review status: criteria provided, single submitter. Criteria: Invitae Variant Classification Sherloc (09022015). Collection method: clinical testing. Allele origin: germline.
Comment: For these reasons, this variant has been classified as Pathogenic. Advanced modeling of protein sequence and biophysical properties (such as structural, functional, and spatial information, amino acid conservation, physicochemical variation, residue mobility, and thermodynamic stability) performed at Invitae indicates that this missense variant is expected to disrupt FBN2 protein function. ClinVar contains an entry for this variant (Variation ID: 935823). This missense change has been observed in individual(s) with clinical features of FBN2-related disease (Invitae). In at least one individual the variant was observed to be de novo. This variant is not present in population databases (gnomAD no frequency). This sequence change replaces aspartic acid, which is acidic and polar, with histidine, which is basic and polar, at codon 2010 of the FBN2 protein (p.Asp2010His).

NM_001999.4(FBN2):c.6028G>C (p.Asp2010His)

Gene: FBN2 (fibrillin 2; minus strand). Cytogenetic location: 5q23.3.
Variant type: single nucleotide variant.
Coding change: c.6028G>C on transcript NM_001999.4 (MANE Select); coding-DNA position 6028, G replaced by C.
Protein change: p.Asp2010His; replaces aspartic acid 2010 with histidine.
Molecular consequence: missense variant.
Genome position (GRCh38, 1-based): chr5:128,301,400, C>G on the plus strand (G>C on the coding strand, the complement: FBN2 is on the minus strand). VCF-style: chr5-128301400-C-G. GRCh37 (hg19) VCF-style: chr5-127637092-C-G.
Other names: short protein forms D2010H.
Identifiers: ClinVar variation 935823 (VCV000935823.10), dbSNP rs1749713036, ClinGen allele CA360766684.